The following is an entry in ClinVar:

NM_018136.5(ASPM):c.6545T>G (p.Val2182Gly)

Gene: ASPM (assembly factor for spindle microtubules; minus strand). Cytogenetic location: 1q31.3.
Variant type: single nucleotide variant.
Coding change: c.6545T>G on transcript NM_018136.5 (MANE Select); coding-DNA position 6545, T replaced by G.
Protein change: p.Val2182Gly; replaces valine 2182 with glycine.
Molecular consequence: missense variant. On other transcripts: intron variant (1).
Genome position (GRCh38, 1-based): chr1:197,102,706, A>C on the plus strand (T>G on the coding strand, the complement: ASPM is on the minus strand). VCF-style: chr1-197102706-A-C. GRCh37 (hg19) VCF-style: chr1-197071836-A-C.
Other names: c.4066-6542T>G (NM_001206846.2); short protein forms V2182G.
Identifiers: ClinVar variation 1327638 (VCV001327638.6), dbSNP rs765139526, ClinGen allele CA35871270.

ClinVar aggregate classification (germline): Uncertain significance. Review status: criteria provided, multiple submitters, no conflicts (2 of 4 stars). 3 submissions from 3 submitters: Uncertain significance (3). Last evaluated 2025-07-02.

Conditions:
Inborn genetic diseases. Identifiers: MedGen C0950123, MeSH D030342.
Microcephaly 5, primary, autosomal recessive (MCPH5). Also called: ASPM Primary Microcephaly. Identifiers: Orphanet 2512, MedGen C1837501, MONDO:0012106, OMIM 608716.

Allele frequency attached by ClinVar (database versions not stated): gnomAD exomes below 0.00001 and 0.00001; gnomAD 0.00002; TOPMed 0.00002.
gnomAD v4.1: 23 of 1,612,536 alleles (0.0014%); highest among the groups gnomAD compares: Non-Finnish European, 0.002%; no homozygotes.

Submissions (3):

Ambry Genetics
Classification: Uncertain significance for Inborn genetic diseases. Last evaluated: 2025-07-02. Review status: criteria provided, single submitter. Criteria: Ambry Variant Classification Scheme 2023. Collection method: clinical testing. Allele origin: germline.

Genome-Nilou Lab
Classification: Uncertain significance for Microcephaly 5, primary, autosomal recessive. Last evaluated: 2023-04-11. Review status: criteria provided, single submitter. Criteria: ACMG Guidelines, 2015. Collection method: clinical testing. Allele origin: germline. Affected: no.

GeneDx
Classification: Uncertain significance. Last evaluated: 2021-06-08. Review status: criteria provided, single submitter. Criteria: GeneDx Variant Classification Process June 2021. Collection method: clinical testing. Allele origin: germline. Affected: yes.
Comment: Not observed at significant frequency in large population cohorts (Lek et al., 2016); In silico analysis supports that this missense variant has a deleterious effect on protein structure/function; Has not been previously published as pathogenic or benign to our knowledge; In silico analysis, which includes splice predictors and evolutionary conservation, suggests this variant may impact gene splicing. In the absence of RNA/functional studies, the actual effect of this sequence change is unknown.; This variant is associated with the following publications: (PMID: 27535533)